The following is an entry in ClinVar:

ClinVar aggregate classification (germline): Conflicting classifications of pathogenicity. Review status: criteria provided, conflicting classifications (1 of 4 stars). 6 submissions from 6 submitters: Uncertain significance (3); Likely benign (1). 2 of the submissions do not count toward it. Last evaluated 2024-10-14.

Conditions:
Cardiovascular phenotype. Identifiers: MedGen CN230736.
Dilated cardiomyopathy 1G (CMD1G). Identifiers: Orphanet 154, MedGen C1858763, MONDO:0011400, OMIM 604145.
Autosomal recessive limb-girdle muscular dystrophy type 2J (LGMDR10). Also called: Limb-girdle muscular dystrophy, type 2J; MUSCULAR DYSTROPHY, LIMB-GIRDLE, AUTOSOMAL RECESSIVE 10. Identifiers: Orphanet 140922, MedGen C1837342, MONDO:0012127, OMIM 608807.

Allele frequency attached by ClinVar (database versions not stated): gnomAD 0.00001; gnomAD exomes 0.00002; TOPMed 0.00002; ESP Exome Variant Server 0.00008.
gnomAD v4.1: 36 of 1,613,118 alleles (0.0022%); highest among the groups gnomAD compares: Non-Finnish European, 0.0023%; 1 homozygote.

Submissions (6):

Blueprint Genetics
Classification: Likely benign. Last evaluated: 2024-10-14. Review status: criteria provided, single submitter. Criteria: ACMG Guidelines, 2015. Collection method: clinical testing. Allele origin: germline.

Mayo Clinic Laboratories, Mayo Clinic
Classification: Uncertain significance. Last evaluated: 2021-09-13. Review status: criteria provided, single submitter. Criteria: ACMG Guidelines, 2015. Collection method: clinical testing. Allele origin: germline.

Labcorp Genetics (formerly Invitae), Labcorp
Classification: Uncertain significance for Dilated cardiomyopathy 1G; Autosomal recessive limb-girdle muscular dystrophy type 2J. Last evaluated: 2018-11-06. Review status: criteria provided, single submitter. Criteria: Invitae Variant Classification Sherloc (09022015). Collection method: clinical testing. Allele origin: germline.
Comment: This sequence change replaces arginine with cysteine at codon 32473 of the TTN protein (p.Arg32473Cys). The arginine residue is highly conserved and there is a large physicochemical difference between arginine and cysteine. This variant is not present in population databases (ExAC no frequency). This variant has not been reported in the literature in individuals with TTN-related disease. Algorithms developed to predict the effect of missense changes on protein structure and function are unavailable for the TTN gene. This variant identified in the TTN gene is located in the M band of the resulting protein (PMID: 25589632). It is unclear how this variant impacts the function of this protein. In summary, this variant is a novel missense change with unknown impact on protein function. Missense variants in this region of the TTN gene are typically not causative for cardiac disease, but may be relevant for neuromuscular disorders. However, the available evidence is currently insufficient to determine this variant‚Äôs role in disease. Therefore, it has been classified as a Variant of Uncertain Significance.

Ambry Genetics
Classification: Uncertain significance for Cardiovascular phenotype. Last evaluated: 2017-12-12. Review status: criteria provided, single submitter. Criteria: Ambry Variant Classification Scheme 2023. Collection method: clinical testing. Allele origin: germline.
Comment: The p.R23408C variant (also known as c.70222C>T), located in coding exon 176 of the TTN gene, results from a C to T substitution at nucleotide position 70222. The arginine at codon 23408 is replaced by cysteine, an amino acid with highly dissimilar properties. This amino acid position is highly conserved in available vertebrate species. In addition, this alteration is predicted to be probably damaging and unknown by PolyPhen and SIFT in silico analyses, respectively. Since supporting evidence is limited at this time, the clinical significance of this alteration remains unclear.

Diagnostic Laboratory, Department of Genetics, University Medical Center Groningen
Classification: Uncertain significance. Review status: no assertion criteria provided. Collection method: clinical testing. Allele origin: germline. Affected: yes. Study: VKGL Data-share Consensus. Not counted in ClinVar's aggregate classification.

Joint Genome Diagnostic Labs from Nijmegen and Maastricht, Radboudumc and MUMC+
Classification: Uncertain significance. Review status: no assertion criteria provided. Collection method: clinical testing. Allele origin: germline. Affected: yes. Study: VKGL Data-share Consensus. Not counted in ClinVar's aggregate classification.

Literature cited by the submitters: PubMed 25589632 (cited by Labcorp Genetics (formerly Invitae), Labcorp).

NM_001267550.2(TTN):c.97417C>T (p.Arg32473Cys)

Genes: TTN (titin; minus strand), TTN-AS1 (TTN antisense RNA 1; plus strand). Cytogenetic location: 2q31.2.
Variant type: single nucleotide variant.
Coding change: c.97417C>T on transcript NM_001267550.2 (MANE Select); coding-DNA position 97417, C replaced by T.
Protein change: p.Arg32473Cys; replaces arginine 32473 with cysteine.
Molecular consequence: missense variant. On other transcripts: non-coding transcript variant (1).
Genome position (GRCh38, 1-based): chr2:178,542,339, G>A on the plus strand (C>T on the coding strand, the complement: TTN is on the minus strand). VCF-style: chr2-178542339-G-A. GRCh37 (hg19) VCF-style: chr2-179407066-G-A.
Other names: p.Arg30832Cys; c.92494C>T, p.Arg30832Cys (NM_001256850.1); c.70222C>T, p.Arg23408Cys (NM_003319.4); c.89713C>T, p.Arg29905Cys (NM_133378.4); c.70597C>T, p.Arg23533Cys (NM_133432.3); c.70798C>T, p.Arg23600Cys (NM_133437.4); short protein forms R23408C, R32473C, R29905C, R30832C, R23600C, R23533C.
Identifiers: ClinVar variation 519191 (VCV000519191.17), dbSNP rs371924787, ClinGen allele CA60968661.